The following is an entry in ClinVar:

ClinVar aggregate classification (germline): Likely benign. Review status: criteria provided, multiple submitters, no conflicts (2 of 4 stars). 3 submissions from 3 submitters: Likely benign (2). 1 of the submissions does not count toward it. Last evaluated 2025-08-06.

Conditions:
RYR1-related disorder. Also called: RYR1-related condition; RYR1-related disorders. Identifiers: MedGen CN239331.
Malignant hyperthermia, susceptibility to, 1 (MHS1). Also called: Anesthesia related hyperthermia; Malignant hyperpyrexia; Fulminating hyperpyrexia; Pharmacogenic myopathy; RYR1-Related Malignant Hyperthermia Susceptibility; Malignant hyperthermia suceptibility 1. Identifiers: Orphanet 423, MedGen C2930980, MONDO:0007783, OMIM 145600.

Allele frequency attached by ClinVar (database versions not stated): gnomAD 0.00001; TOPMed 0.00001.
gnomAD v4.1: 15 of 1,608,890 alleles (0.00093%); highest among the groups gnomAD compares: Non-Finnish European, 0.0013%; no homozygotes.

Submissions (3):

Labcorp Genetics (formerly Invitae), Labcorp
Classification: Likely benign for RYR1-related disorder. Last evaluated: 2025-08-06. Review status: criteria provided, single submitter. Criteria: Invitae Variant Classification Sherloc (09022015). Collection method: clinical testing. Allele origin: germline.

Color Diagnostics, LLC DBA Color Health
Classification: Likely benign for Malignant hyperthermia, susceptibility to, 1. Last evaluated: 2023-11-15. Review status: criteria provided, single submitter. Criteria: ACMG Guidelines, 2015. Collection method: clinical testing. Allele origin: germline.

PreventionGenetics, part of Exact Sciences
Classification: Likely benign for RYR1-related condition. Last evaluated: 2021-02-18. Review status: no assertion criteria provided. Collection method: clinical testing. Allele origin: germline. Not counted in ClinVar's aggregate classification.
Comment: This variant is classified as likely benign based on ACMG/AMP sequence variant interpretation guidelines (Richards et al. 2015 PMID: 25741868, with internal and published modifications).

NM_000540.3(RYR1):c.7791G>A (p.Lys2597=)

Gene: RYR1 (ryanodine receptor 1; plus strand). Cytogenetic location: 19q13.2.
Variant type: single nucleotide variant.
Coding change: c.7791G>A on transcript NM_000540.3 (MANE Select); coding-DNA position 7791, G replaced by A.
Protein change: p.Lys2597=; no amino-acid change (lysine 2597 retained).
Molecular consequence: synonymous variant.
Genome position (GRCh38, 1-based): chr19:38,502,683, G>A. VCF-style: chr19-38502683-G-A. GRCh37 (hg19) VCF-style: chr19-38993323-G-A.
Other names: c.7791G>A, p.Lys2597= (NM_001042723.2); c.7791G>A (NM_000540.2).
Identifiers: ClinVar variation 1491173 (VCV001491173.10), dbSNP rs1432378321, ClinGen allele CA507243909.
Genomic context (GRCh38, chr19:38,502,683, plus strand): 5'-CATGGTGGACTCTATGCTGCATACCGTGTACCGCCTGTCTCGGGGTCGTTCGCTCACCAA[G>A]GCGCAGCGTGACGTCATCGAGGACTGCCTCATGTCGCTCTGCAGGTGGAGCGGGGCAGGC-3'
Protein context (NP_000531.2, residues 2587-2607): YRLSRGRSLT[Lys2597=]AQRDVIEDCL